The following is an entry in ClinVar:

Conditions:
Long QT syndrome 5 (LQT5). Identifiers: Orphanet 101016, Orphanet 768, MedGen C1867904, MONDO:0013372, OMIM 613695.

Submission:

Roden Lab, Vanderbilt University Medical Center
No classification provided (evidence only). Condition: Long QT syndrome 5. Review status: no classification provided. Collection method: in vitro. Allele origin: not applicable. Functional consequence: Effect on ion channel function.
ClinVar note: "not provided" was previously submitted as the classification for the variant. However, the classification appeared to be based only on an observation of functional data so it was converted to no classification on 2025-07-30.

NM_000219.6(KCNE1):c.369T>G (p.Pro123=)

Gene: KCNE1 (potassium voltage-gated channel subfamily E regulatory subunit 1; minus strand). Cytogenetic location: 21q22.12.
Variant type: single nucleotide variant.
Coding change: c.369T>G on transcript NM_000219.6 (MANE Select); coding-DNA position 369, T replaced by G.
Protein change: p.Pro123=; no amino-acid change (proline 123 retained).
Molecular consequence: synonymous variant.
Genome position (GRCh38, 1-based): chr21:34,449,266, A>C on the plus strand (T>G on the coding strand, the complement: KCNE1 is on the minus strand). VCF-style: chr21-34449266-A-C. GRCh37 (hg19) VCF-style: chr21-35821564-A-C.
Other names: c.369T>G, p.Pro123= (NM_001127668.4, NM_001127669.4, NM_001127670.4 and 4 more transcripts).
Identifiers: ClinVar variation 3373840 (VCV003373840.2).